The following is an entry in ClinVar:

ClinVar aggregate classification (germline): Uncertain significance (1 of 4 stars; one submission).

Conditions:
Joubert syndrome. Also called: Familial aplasia of the vermis; JOUBERT-BOLTSHAUSER SYNDROME; CEREBELLOPARENCHYMAL DISORDER IV. Identifiers: Orphanet 475, MedGen C5979921, MONDO:0018772.
Orofaciodigital syndrome I (OFD1). Also called: Papillon-Leage and Psaume Syndrome; OFDS I; Oral-Facial-Digital Syndrome Type I. Identifiers: Orphanet 2750, MedGen C1510460, MONDO:0010702, OMIM 311200.

Submission:

Labcorp Genetics (formerly Invitae), Labcorp
Classification: Uncertain significance for Orofaciodigital syndrome I; Joubert syndrome. Last evaluated: 2025-05-15. Review status: criteria provided, single submitter. Criteria: Invitae Variant Classification Sherloc (09022015). Collection method: clinical testing. Allele origin: germline.
Comment: This sequence change replaces asparagine, which is neutral and polar, with serine, which is neutral and polar, at codon 118 of the OFD1 protein (p.Asn118Ser). This variant is not present in population databases (gnomAD no frequency). This variant has not been reported in the literature in individuals affected with OFD1-related conditions. An algorithm developed to predict the effect of missense changes on protein structure and function outputs the following: PolyPhen-2: "Benign". The serine amino acid residue is found in multiple mammalian species, which suggests that this missense change does not adversely affect protein function. In summary, the available evidence is currently insufficient to determine the role of this variant in disease. Therefore, it has been classified as a Variant of Uncertain Significance.

NM_003611.3(OFD1):c.353A>G (p.Asn118Ser)

Gene: OFD1 (OFD1 centriole and centriolar satellite protein; plus strand). Cytogenetic location: Xp22.2.
Variant type: single nucleotide variant.
Coding change: c.353A>G on transcript NM_003611.3 (MANE Select); coding-DNA position 353, A replaced by G.
Protein change: p.Asn118Ser; replaces asparagine 118 with serine.
Molecular consequence: missense variant. On other transcripts: 5 prime UTR variant (1).
Genome position (GRCh38, 1-based): chrX:13,738,886, A>G. VCF-style: chrX-13738886-A-G. GRCh37 (hg19) VCF-style: chrX-13757005-A-G.
Other names: c.353A>G, p.Asn118Ser (NM_001330209.2, NM_001440947.1, NM_001440948.1); c.-193A>G (NM_001330210.2); short protein forms N118S.
Identifiers: ClinVar variation 4782463 (VCV004782463.1).